The following is an entry in ClinVar:

ClinVar aggregate classification (germline): Benign. Review status: criteria provided, single submitter (1 of 4 stars). 2 submissions from 2 submitters: Benign (1). 1 of the submissions does not count toward it. Last evaluated 2018-11-29.

Conditions:
Treacher Collins syndrome 1 (TCS1). Also called: TCOF1-Related Treacher Collins Syndrome. Identifiers: Orphanet 861, MedGen CN315775, MONDO:0007944, OMIM 154500.

Allele frequency attached by ClinVar (database versions not stated): 1000 Genomes Project 0.02576; 1000 Genomes Project 30x 0.02639; TOPMed 0.04510; gnomAD 0.05029 and 0.05067; gnomAD exomes 0.05148 and 0.07175; ESP Exome Variant Server 0.05237; ExAC 0.05429.
gnomAD v4.1: 107,212 of 1,550,434 alleles (6.9%); highest among the groups gnomAD compares: Non-Finnish European, 8%; 4,234 homozygotes.

Submissions (2):

GeneDx
Classification: Benign. Last evaluated: 2018-11-29. Review status: criteria provided, single submitter. Criteria: GeneDx Variant Classification Process June 2021. Collection method: clinical testing. Allele origin: germline. Affected: yes.

Genetics Laboratories, Oxford Radcliffe Hospitals NHS Trust
Classification: Benign for Treacher collins syndrome 1. Review status: no assertion criteria provided. Collection method: not provided. Allele origin: somatic. Not counted in ClinVar's aggregate classification.
Comment: Co-occurred with a pathogenic mutation in two TCS cases

NM_001371623.1(TCOF1):c.1083+39G>A

Gene: TCOF1 (treacle ribosome biogenesis factor 1; plus strand). Cytogenetic location: 5q32.
Variant type: single nucleotide variant.
Coding change: c.1083+39G>A on transcript NM_001371623.1 (MANE Select); 39 bases into the intron after coding-DNA position 1083, G replaced by A.
Molecular consequence: intron variant.
Genome position (GRCh38, 1-based): chr5:150,374,425, G>A. VCF-style: chr5-150374425-G-A. GRCh37 (hg19) VCF-style: chr5-149753988-G-A.
Other names: c.1083+39G>A (NM_001135243.2, NM_001135244.2, NM_001195141.2 and 1 more transcripts); c.852+39G>A (NM_001135245.2, NM_000356.4).
Identifiers: ClinVar variation 209022 (VCV000209022.3), dbSNP rs56113366, ClinGen allele CA276082.